The following is an entry in ClinVar:

ClinVar aggregate classification (germline): Benign (0 of 4 stars; one submission).

Conditions:
HS6ST2-related disorder. Also called: HS6ST2-related condition.

Allele frequency attached by ClinVar (database versions not stated): 1000 Genomes Project 0.00132; 1000 Genomes Project 30x 0.00166; TOPMed 0.00177; gnomAD 0.00214; gnomAD exomes 0.00244; ESP Exome Variant Server 0.00265; ExAC 0.00434.

Submission:

PreventionGenetics, part of Exact Sciences
Classification: Benign for HS6ST2-related condition. Last evaluated: 2019-11-14. Review status: no assertion criteria provided. Collection method: clinical testing. Allele origin: germline.
Comment: This variant is classified as benign based on ACMG/AMP sequence variant interpretation guidelines (Richards et al. 2015 PMID: 25741868, with internal and published modifications).

NM_001394073.1(HS6ST2):c.23del (p.Val8fs)

Gene: HS6ST2 (heparan sulfate 6-O-sulfotransferase 2; minus strand). Cytogenetic location: Xq26.2.
Variant type: Deletion.
Coding change: c.23del on transcript NM_001394073.1 (MANE Select); coding-DNA position 23, one base deleted (T; older notation c.23delT).
Protein change: p.Val8fs; shifts the reading frame from valine 8.
Molecular consequence: frameshift variant.
Genome position (GRCh38, 1-based): chrX:132,958,580, A deleted on the plus strand (T on the coding strand, the reverse complement: HS6ST2 is on the minus strand). VCF-style (leftmost placement, unchanged base first): chrX-132958579-GA-G. GRCh37 (hg19) VCF-style: chrX-132092607-GA-G.
Other names: c.23del, p.Val8fs (NM_001077188.2, NM_001394074.1, NM_147175.4); short protein forms V8fs.
Identifiers: ClinVar variation 3042057 (VCV003042057.2), dbSNP rs750023244, ClinGen allele CA10519725.
Genomic context (GRCh38, chrX:132,958,579, plus strand): 5'-GGGACAGGTGGTGCGGACGGGCGCTCCTCGCTCCGGTTGCCGCGGCGGCTCGAACTCCCG[GA>G]CTGCACACGCAGGCAGTGCCATTCCCCCCTTCAGGCAACTCAGGGTACTAAGGATCACGA-3'